The following is an entry in ClinVar:

ClinVar aggregate classification (germline): Pathogenic (1 of 4 stars; one submission).

Conditions:
Hereditary cancer-predisposing syndrome. Also called: Tumor predisposition; Hereditary Cancer Syndrome; Hereditary neoplastic syndrome; Neoplastic Syndromes, Hereditary. Identifiers: Orphanet 140162, MedGen C0027672, MeSH D009386, MONDO:0015356.

Submission:

Ambry Genetics
Classification: Pathogenic for Hereditary cancer-predisposing syndrome. Last evaluated: 2023-08-21. Review status: criteria provided, single submitter. Criteria: Ambry Variant Classification Scheme 2023. Collection method: clinical testing. Allele origin: germline.
Comment: The c.860delGinsTTCAC pathogenic mutation, located in coding exon 4 of the MSH6 gene, results from the deletion of one nucleotide and insertion of 5 nucleotides causing a translational frameshift with a predicted alternate stop codon (p.S287Ifs*3). This variant is considered to be rare based on population cohorts in the Genome Aggregation Database (gnomAD). This alteration is expected to result in loss of function by premature protein truncation or nonsense-mediated mRNA decay. As such, this alteration is interpreted as a disease-causing mutation.

NM_000179.3(MSH6):c.860delinsTTCAC (p.Ser287fs)

Gene: MSH6 (mutS homolog 6; plus strand). Cytogenetic location: 2p16.3.
Variant type: Indel.
Coding change: c.860delinsTTCAC on transcript NM_000179.3 (MANE Select); coding-DNA position 860, G replaced by TTCAC.
Protein change: p.Ser287fs; shifts the reading frame from serine 287.
Molecular consequence: frameshift variant. On other transcripts: 5 prime UTR variant (9), non-coding transcript variant (4), intron variant (1).
Genome position (GRCh38, 1-based): chr2:47,798,843, G replaced by TTCAC. VCF-style: chr2-47798843-G-TTCAC. GRCh37 (hg19) VCF-style: chr2-48025982-G-TTCAC.
Other names: c.470delinsTTCAC, p.Ser157fs (NM_001281492.2); c.-47delinsTTCAC (NM_001281493.2, NM_001281494.2, NM_001406811.1 and 6 more transcripts); c.956delinsTTCAC, p.Ser319fs (NM_001406795.1, NM_001406802.1); c.860delinsTTCAC, p.Ser287fs (NM_001406796.1, NM_001406798.1, NM_001406800.1 and 4 more transcripts); c.563delinsTTCAC, p.Ser188fs (NM_001406797.1, NM_001406801.1, NM_001406805.1 and 10 more transcripts); c.335delinsTTCAC, p.Ser112fs (NM_001406799.1, NM_001406806.1, NM_001406807.1); c.782delinsTTCAC, p.Ser261fs (NM_001406804.1); c.866delinsTTCAC, p.Ser289fs (NM_001406813.1); and 2 more; short protein forms S188fs, S231fs, S112fs, S157fs, S289fs, S261fs, S287fs, S319fs.
Identifiers: ClinVar variation 2587341 (VCV002587341.2), dbSNP rs2530574960, ClinGen allele CA2582342390.
Genomic context (GRCh38, chr2:47,798,843, plus strand): 5'-CAGACACTAAGGAGGAAGGAAGCAGTGATGAAATAAGCAGTGGAGTGGGGGATAGTGAGA[G>TTCAC]TGAAGGCCTGAACAGCCCTGTCAAAGTTGCTCGAAAGCGGAAGAGAATGGTGACTGGAAA-3'